The following is an entry in ClinVar:

NM_002715.4(PPP2CA):c.643G>A (p.Gly215Arg)

Gene: PPP2CA (protein phosphatase 2 catalytic subunit alpha; minus strand). Cytogenetic location: 5q31.1.
Variant type: single nucleotide variant.
Coding change: c.643G>A on transcript NM_002715.4 (MANE Select); coding-DNA position 643, G replaced by A.
Protein change: p.Gly215Arg; replaces glycine 215 with arginine.
Molecular consequence: missense variant. On other transcripts: non-coding transcript variant (1).
Genome position (GRCh38, 1-based): chr5:134,200,430, C>T on the plus strand (G>A on the coding strand, the complement: PPP2CA is on the minus strand). VCF-style: chr5-134200430-C-T. GRCh37 (hg19) VCF-style: chr5-133536121-C-T.
Other names: c.448G>A, p.Gly150Arg (NM_001355019.2); short protein forms G150R, G215R.
Identifiers: ClinVar variation 3349534 (VCV003349534.2).

ClinVar aggregate classification (germline): Uncertain significance. Review status: criteria provided, single submitter (1 of 4 stars). 2 submissions from 2 submitters: Uncertain significance (1). 1 of the submissions does not count toward it. Last evaluated 2025-05-10.

Conditions:
PPP2CA-related disorder. Also called: PPP2CA-related condition.

Submissions (2):

Labcorp Genetics (formerly Invitae), Labcorp
Classification: Uncertain significance. Last evaluated: 2025-05-10. Review status: criteria provided, single submitter. Criteria: Invitae Variant Classification Sherloc (09022015). Collection method: clinical testing. Allele origin: germline.
Comment: This sequence change replaces glycine, which is neutral and non-polar, with arginine, which is basic and polar, at codon 215 of the PPP2CA protein (p.Gly215Arg). This variant is not present in population databases (gnomAD no frequency). This variant has not been reported in the literature in individuals affected with PPP2CA-related conditions. ClinVar contains an entry for this variant (Variation ID: 3349534). Invitae Evidence Modeling of protein sequence and biophysical properties (such as structural, functional, and spatial information, amino acid conservation, physicochemical variation, residue mobility, and thermodynamic stability) indicates that this missense variant is expected to disrupt PPP2CA protein function with a positive predictive value of 80%. In summary, the available evidence is currently insufficient to determine the role of this variant in disease. Therefore, it has been classified as a Variant of Uncertain Significance.

PreventionGenetics, part of Exact Sciences
Classification: Likely pathogenic for PPP2CA-related condition. Last evaluated: 2024-03-05. Review status: no assertion criteria provided. Collection method: clinical testing. Allele origin: germline. Not counted in ClinVar's aggregate classification.
Comment: The PPP2CA c.643G>A variant is predicted to result in the amino acid substitution p.Gly215Arg. To our knowledge, this variant has not been reported in the literature or in a large population database, indicating this variant is rare. This variant is interpreted as likely pathogenic.